The following is an entry in ClinVar:

ClinVar aggregate classification (germline): Uncertain significance. Review status: criteria provided, multiple submitters, no conflicts (2 of 4 stars). 3 submissions from 3 submitters: Uncertain significance (3). Last evaluated 2024-12-08.

Conditions:
Hereditary cancer-predisposing syndrome. Also called: Tumor predisposition; Neoplastic Syndromes, Hereditary; Hereditary neoplastic syndrome; Hereditary Cancer Syndrome. Identifiers: Orphanet 140162, MedGen C0027672, MeSH D009386, MONDO:0015356.
Hereditary breast ovarian cancer syndrome. Also called: Hereditary breast and ovarian cancer; Hereditary breast and ovarian cancer syndrome (HBOC); Breast and ovarian cancer; Hereditary breast and ovarian cancer syndrome; BRCA1- and BRCA2-Associated Hereditary Breast and Ovarian Cancer; Hereditary breast and/or ovarian cancer syndrome. Identifiers: Orphanet 145, MedGen C0677776, MeSH D061325, MONDO:0003582. Disease mechanism: loss of function.

Allele frequency attached by ClinVar (database versions not stated): gnomAD exomes below 0.00001.
gnomAD v4.1: 1 of 1,613,846 alleles (0.000062%); highest among the groups gnomAD compares: Non-Finnish European, 0.000085%; no homozygotes.

Submissions (3):

Labcorp Genetics (formerly Invitae), Labcorp
Classification: Uncertain significance for Hereditary breast ovarian cancer syndrome. Last evaluated: 2024-12-08. Review status: criteria provided, single submitter. Criteria: Invitae Variant Classification Sherloc (09022015). Collection method: clinical testing. Allele origin: germline.
Comment: This sequence change replaces glycine, which is neutral and non-polar, with arginine, which is basic and polar, at codon 211 of the BRCA1 protein (p.Gly211Arg). This variant is not present in population databases (gnomAD no frequency). This variant has not been reported in the literature in individuals affected with BRCA1-related conditions. ClinVar contains an entry for this variant (Variation ID: 631030). Invitae Evidence Modeling of protein sequence and biophysical properties (such as structural, functional, and spatial information, amino acid conservation, physicochemical variation, residue mobility, and thermodynamic stability) indicates that this missense variant is not expected to disrupt BRCA1 protein function with a negative predictive value of 80%. Studies have shown that this missense change is associated with inconclusive levels of altered splicing (internal data). In summary, the available evidence is currently insufficient to determine the role of this variant in disease. Therefore, it has been classified as a Variant of Uncertain Significance.

Ambry Genetics
Classification: Uncertain significance for Hereditary cancer-predisposing syndrome. Last evaluated: 2024-06-13. Review status: criteria provided, single submitter. Criteria: Ambry Variant Classification Scheme 2023. Collection method: clinical testing. Allele origin: germline.
Comment: The p.G211R variant (also known as c.631G>A), located in coding exon 8 of the BRCA1 gene, results from a G to A substitution at nucleotide position 631. The glycine at codon 211 is replaced by arginine, an amino acid with dissimilar properties. This amino acid position is well conserved in available vertebrate species. In addition, this alteration is predicted to be deleterious by in silico analysis. Based on the available evidence, the clinical significance of this variant remains unclear.

Color Diagnostics, LLC DBA Color Health
Classification: Uncertain significance for Hereditary cancer-predisposing syndrome. Last evaluated: 2019-06-22. Review status: criteria provided, single submitter. Criteria: ACMG Guidelines, 2015. Collection method: clinical testing. Allele origin: germline.

NM_007294.4(BRCA1):c.631G>A (p.Gly211Arg)

Gene: BRCA1 (BRCA1 DNA repair associated; minus strand). Cytogenetic location: 17q21.31.
Variant type: single nucleotide variant.
Coding change: c.631G>A on transcript NM_007294.4 (MANE Select); coding-DNA position 631, G replaced by A.
Protein change: p.Gly211Arg; replaces glycine 211 with arginine.
Molecular consequence: missense variant. On other transcripts: non-coding transcript variant (1).
Genome position (GRCh38, 1-based): chr17:43,095,885, C>T on the plus strand (G>A on the coding strand, the complement: BRCA1 is on the minus strand). VCF-style: chr17-43095885-C-T. GRCh37 (hg19) VCF-style: chr17-41247902-C-T.
Other names: c.418G>A, p.Gly140Arg (NM_001407571.1, NM_001407853.1, NM_001407894.1 and 12 more transcripts); c.631G>A, p.Gly211Arg (NM_001407581.1, NM_001407582.1, NM_001407583.1 and 59 more transcripts); c.628G>A, p.Gly210Arg (NM_001407587.1, NM_001407590.1, NM_001407591.1 and 41 more transcripts); c.622G>A, p.Gly208Arg (NM_001407646.1, NM_001407647.1, NM_001408408.1); c.553G>A, p.Gly185Arg (NM_001407653.1, NM_001407654.1, NM_001407655.1 and 9 more transcripts); c.550G>A, p.Gly184Arg (NM_001407659.1, NM_001407660.1, NM_001407661.1 and 3 more transcripts); c.490G>A, p.Gly164Arg (NM_001407692.1, NM_001407694.1, NM_001407695.1 and 43 more transcripts); c.487G>A, p.Gly163Arg (NM_001407740.1, NM_001407741.1, NM_001407742.1 and 26 more transcripts); and 4 more; short protein forms G211R, G164R, G140R, G166R, G163R, G210R, G83R, G84R.
Identifiers: ClinVar variation 631030 (VCV000631030.14), dbSNP rs1192717688, ClinGen allele CA10600843.